The following is an entry in ClinVar:

NM_003361.4(UMOD):c.520T>C (p.Cys174Arg)

Gene: UMOD (uromodulin; minus strand). Cytogenetic location: 16p12.3.
Variant type: single nucleotide variant.
Coding change: c.520T>C on transcript NM_003361.4 (MANE Select); coding-DNA position 520, T replaced by C.
Protein change: p.Cys174Arg; replaces cysteine 174 with arginine.
Molecular consequence: missense variant. On other transcripts: non-coding transcript variant (1).
Genome position (GRCh38, 1-based): chr16:20,348,781, A>G on the plus strand (T>C on the coding strand, the complement: UMOD is on the minus strand). VCF-style: chr16-20348781-A-G. GRCh37 (hg19) VCF-style: chr16-20360103-A-G.
Other names: c.520T>C, p.Cys174Arg (NM_001008389.3, NM_001378232.1, NM_001378233.1 and 3 more transcripts); c.619T>C, p.Cys207Arg (NM_001278614.2); short protein forms C207R, C174R.
Identifiers: ClinVar variation 2736328 (VCV002736328.3), dbSNP rs2507388361, ClinGen allele CA394985623.

ClinVar aggregate classification (germline): Uncertain significance (1 of 4 stars; one submission).

Submission:

Labcorp Genetics (formerly Invitae), Labcorp
Classification: Uncertain significance. Last evaluated: 2023-10-05. Review status: criteria provided, single submitter. Criteria: Invitae Variant Classification Sherloc (09022015). Collection method: clinical testing. Allele origin: germline.
Comment: This sequence change replaces cysteine, which is neutral and slightly polar, with arginine, which is basic and polar, at codon 174 of the UMOD protein (p.Cys174Arg). This variant is not present in population databases (gnomAD no frequency). This missense change has been observed in individual(s) with UMOD-related conditions (PMID: 23723338, 32450155). Advanced modeling of protein sequence and biophysical properties (such as structural, functional, and spatial information, amino acid conservation, physicochemical variation, residue mobility, and thermodynamic stability) performed at Invitae indicates that this missense variant is expected to disrupt UMOD protein function. In summary, the available evidence is currently insufficient to determine the role of this variant in disease. Therefore, it has been classified as a Variant of Uncertain Significance.

Literature cited by the submitters: PubMed 23723338; PubMed 32450155.